The following is an entry in ClinVar:

NM_001130987.2(DYSF):c.179del (p.Leu60fs)

Gene: DYSF (dysferlin; plus strand). Cytogenetic location: 2p13.2.
Variant type: Deletion.
Coding change: c.179del on transcript NM_001130987.2 (MANE Select); coding-DNA position 179, one base deleted (T; older notation c.179delT).
Protein change: p.Leu60fs; shifts the reading frame from leucine 60.
Molecular consequence: frameshift variant.
Genome position (GRCh38, 1-based): chr2:71,481,910, T deleted. VCF-style (leftmost placement, unchanged base first): chr2-71481909-CT-C. GRCh37 (hg19) VCF-style: chr2-71709039-CT-C.
Other names: c.176delT (NM_003494.4); c.179del, p.Leu60fs (NM_001130455.2, NM_001130982.2, NM_001130983.2 and 3 more transcripts); c.176del, p.Leu59fs (NM_001130976.2, NM_001130977.2, NM_001130978.2 and 4 more transcripts); short protein forms L59fs, L60fs.
Identifiers: ClinVar variation 1071301 (VCV001071301.53), dbSNP rs2152682705, ClinGen allele CA2499216199.

ClinVar aggregate classification (germline): Pathogenic. Review status: criteria provided, multiple submitters, no conflicts (2 of 4 stars). 3 submissions from 3 submitters: Pathogenic (3). Last evaluated 2023-03-01.

Conditions:
Abnormality of the musculature. Identifiers: MedGen C4021745, HP:0003011.
Neuromuscular disease caused by qualitative or quantitative defects of dysferlin. Also called: Qualitative or quantitative defects of dysferlin; Dysferlinopathy. Identifiers: Orphanet 207073, MedGen C2931687, MONDO:0016145.

Submissions (3):

CeGaT Center for Human Genetics Tuebingen
Classification: Pathogenic. Last evaluated: 2023-03-01. Review status: criteria provided, single submitter. Criteria: CeGaT Center For Human Genetics Tuebingen Variant Classification Criteria Version 2. Collection method: clinical testing. Allele origin: germline. Affected: yes. Observed: 1 variant allele.
Comment: DYSF: PVS1, PM2, PM3:Supporting

Kariminejad - Najmabadi Pathology & Genetics Center
Classification: Pathogenic for Abnormality of the musculature. Last evaluated: 2021-07-10. Review status: criteria provided, single submitter. Criteria: ACMG Guidelines, 2015. Collection method: clinical testing. Allele origin: germline. Affected: yes.

Labcorp Genetics (formerly Invitae), Labcorp
Classification: Pathogenic for Neuromuscular disease caused by qualitative or quantitative defects of dysferlin. Last evaluated: 2020-03-26. Review status: criteria provided, single submitter. Criteria: Invitae Variant Classification Sherloc (09022015). Collection method: clinical testing. Allele origin: germline.
Comment: For these reasons, this variant has been classified as Pathogenic. Loss-of-function variants in DYSF are known to be pathogenic (PMID: 17698709, 20301480). This variant has been observed in individual(s) with dysferlinopathy (PMID: 27647186, 19528035). This variant is not present in population databases (ExAC no frequency). This sequence change creates a premature translational stop signal (p.Leu59Argfs*92) in the DYSF gene. It is expected to result in an absent or disrupted protein product.

Literature cited by the submitters: PubMed 17698709 (cited by Labcorp Genetics (formerly Invitae), Labcorp); PubMed 20301480 (cited by Labcorp Genetics (formerly Invitae), Labcorp); PubMed 27647186 (cited by Labcorp Genetics (formerly Invitae), Labcorp); PubMed 19528035 (cited by Labcorp Genetics (formerly Invitae), Labcorp).